The following is an entry in ClinVar:

NM_012203.2(GRHPR):c.-4_-3delinsAT

Gene: GRHPR (glyoxylate and hydroxypyruvate reductase; plus strand). Cytogenetic location: 9p13.2.
Variant type: Indel.
Coding change: c.-4_-3delinsAT on transcript NM_012203.2 (MANE Select); 4 bases upstream of the start codon through 3 bases upstream of the start codon, GC replaced by AT.
Molecular consequence: 5 prime UTR variant.
Genome position (GRCh38, 1-based): chr9:37,422,747-37,422,748, GC replaced by AT. VCF-style: chr9-37422747-GC-AT. GRCh37 (hg19) VCF-style: chr9-37422744-GC-AT.
Other names: c.-4_-3delGCinsAT (NM_012203.1).
Identifiers: ClinVar variation 204230 (VCV000204230.5), dbSNP rs796052077, ClinGen allele CA275882.

ClinVar aggregate classification (germline): Likely pathogenic. Review status: criteria provided, multiple submitters, no conflicts (2 of 4 stars). 3 submissions from 3 submitters: Likely pathogenic (2). 1 of the submissions does not count toward it. Last evaluated 2025-05-30.

Conditions:
Primary hyperoxaluria, type II (HP2). Also called: D-GLYCERATE DEHYDROGENASE DEFICIENCY; GLYCERIC ACIDURIA; GLYOXYLATE REDUCTASE/HYDROXYPYRUVATE REDUCTASE DEFICIENCY; OXALOSIS II; Primary hyperoxaluria type 2. Identifiers: Orphanet 416, Orphanet 93599, MedGen C0268165, MONDO:0009824, OMIM 260000. Disease mechanism: loss of function.

Submissions (3):

Natera, Inc.
Classification: Likely pathogenic for Primary hyperoxaluria type II. Last evaluated: 2025-05-30. Review status: criteria provided, single submitter. Criteria: Natera Variant Classification Schema (03/2026). Collection method: clinical testing. Allele origin: germline.
Comment: The c.-4_-3delGCinsAT variant in GRHPR is a 5' untranslated region (UTR) variant located upstream of the translation start codon. This variant is rare in the general population with a frequency below the threshold expected for the associated phenotype(s). This variant has been observed in one or more individuals affected with the associated recessive disease, as either homozygous or compound heterozygous with a second variant (PMID: 25410531). Functional studies show that this variant may disrupt protein function (PMID: 25410531). Multiple computational prediction algorithms suggest this variant is unlikely to affect gene or protein function. Given the available evidence, this variant is classified as Likely Pathogenic.

Fulgent Genetics
Classification: Likely pathogenic for Primary hyperoxaluria, type II. Last evaluated: 2024-04-06. Review status: criteria provided, single submitter. Criteria: ACMG Guidelines, 2015. Collection method: clinical testing. Allele origin: germline.

Clinical Biochemistry Laboratory, Health Services Laboratory
Classification: Pathogenic for Primary hyperoxaluria, type II. Last evaluated: 2014-11-27. Review status: no assertion criteria provided. Collection method: in vitro. Allele origin: germline. Affected: yes. Not counted in ClinVar's aggregate classification.

Literature cited by the submitters: PubMed 25410531 (cited by Natera, Inc. and Clinical Biochemistry Laboratory, Health Services Laboratory).